The following is an entry in ClinVar:

NM_001035.3(RYR2):c.848+8G>C

Gene: RYR2 (ryanodine receptor 2; plus strand). Cytogenetic location: 1q43.
Variant type: single nucleotide variant.
Coding change: c.848+8G>C on transcript NM_001035.3 (MANE Select); 8 bases into the intron after coding-DNA position 848, G replaced by C.
Molecular consequence: intron variant.
Genome position (GRCh38, 1-based): chr1:237,417,131, G>C. VCF-style: chr1-237417131-G-C. GRCh37 (hg19) VCF-style: chr1-237580431-G-C.
Other names: c.848+8G>C (LRG_402t1).
Identifiers: ClinVar variation 532404 (VCV000532404.16), dbSNP rs373075790, ClinGen allele CA087647.

ClinVar aggregate classification (germline): Conflicting classifications of pathogenicity. Review status: criteria provided, conflicting classifications (1 of 4 stars). 5 submissions from 4 submitters: Uncertain significance (2); Likely benign (3). Last evaluated 2025-12-13.

Conditions:
Catecholaminergic polymorphic ventricular tachycardia 1. Also called: VENTRICULAR TACHYCARDIA, STRESS-INDUCED POLYMORPHIC 1; RYR2-Related Catecholaminergic Polymorphic Ventricular Tachycardia; VENTRICULAR TACHYCARDIA, CATECHOLAMINERGIC POLYMORPHIC, 1, WITH OR WITHOUT ATRIAL DYSFUNCTION AND/OR DILATED CARDIOMYOPATHY. Identifiers: Orphanet 3286, MedGen C1631597, MONDO:0011484, OMIM 604772.
Arrhythmogenic right ventricular dysplasia 2. Identifiers: MedGen C1832931.

Allele frequency attached by ClinVar (database versions not stated): TOPMed 0.00005; gnomAD 0.00006; gnomAD exomes 0.00006 and 0.00008; ExAC 0.00008; ESP Exome Variant Server 0.00008.
gnomAD v4.1: 118 of 1,609,914 alleles (0.0073%); highest among the groups gnomAD compares: Non-Finnish European, 0.009%; no homozygotes.

Submissions (5):

Labcorp Genetics (formerly Invitae), Labcorp
Classification: Likely benign for Catecholaminergic polymorphic ventricular tachycardia 1. Last evaluated: 2025-12-13. Review status: criteria provided, single submitter. Criteria: Invitae Variant Classification Sherloc (09022015). Collection method: clinical testing. Allele origin: germline.

Blueprint Genetics
Classification: Likely benign. Last evaluated: 2023-04-05. Review status: criteria provided, single submitter. Criteria: ACMG Guidelines, 2015. Collection method: clinical testing. Allele origin: germline.

Phosphorus, Inc.
Classification: Likely benign. Last evaluated: 2022-01-14. Review status: criteria provided, single submitter. Criteria: ACMG Guidelines, 2015. Collection method: clinical testing. Allele origin: germline. Inheritance: Autosomal dominant inheritance.
Comment: This variant is located 8bp away from the canonical splice-site in intron 11 of the RYR2 gene (transcript: NM_001035.2). This variant has an entry in ClinVar (532404) NM_001035.3(RYR2):c.848+8G>C. This variant occurred in gnomAD with a total MAF of 0.0061% and the highest MAF of 0.0090% in the European population. This position is not conserved. In silico splicing algorithms predicted that this variant will not have an impact on splicing (dbscSNV= 0.002). The variant has not occurred in the literature in association with disease. Considering the evidence above, it has been classified as Likely Benign.

Illumina Laboratory Services, Illumina
Classification: Uncertain significance for Catecholaminergic polymorphic ventricular tachycardia 1. Last evaluated: 2018-01-12. Review status: criteria provided, single submitter. Criteria: ICSL Variant Classification Criteria 13 December 2019. Collection method: clinical testing. Allele origin: germline.

Illumina Laboratory Services, Illumina
Classification: Uncertain significance for Catecholaminergic polymorphic ventricular tachycardia 1. Last evaluated: 2018-01-12. Review status: criteria provided, single submitter. Criteria: ICSL Variant Classification Criteria 13 December 2019. Collection method: clinical testing. Allele origin: germline.